The following is an entry in ClinVar:

ClinVar aggregate classification (germline): Uncertain significance (1 of 4 stars; one submission).

Conditions:
Inborn genetic diseases. Identifiers: MedGen C0950123, MeSH D030342.

Submission:

Ambry Genetics
Classification: Uncertain significance for Inborn genetic diseases. Last evaluated: 2026-04-04. Review status: criteria provided, single submitter. Criteria: Ambry Variant Classification Scheme 2023. Collection method: clinical testing. Allele origin: germline.
Comment: The p.L984F variant (also known as c.2950C>T), located in coding exon 30 of the FANCA gene, results from a C to T substitution at nucleotide position 2950. The leucine at codon 984 is replaced by phenylalanine, an amino acid with highly similar properties. This amino acid position is conserved. In addition, the in silico prediction for this alteration is inconclusive. Based on the available evidence, the clinical significance of this variant remains unclear.

NM_000135.4(FANCA):c.2950C>T (p.Leu984Phe)

Gene: FANCA (FA complementation group A; minus strand). Cytogenetic location: 16q24.3.
Variant type: single nucleotide variant.
Coding change: c.2950C>T on transcript NM_000135.4 (MANE Select); coding-DNA position 2950, C replaced by T.
Protein change: p.Leu984Phe; replaces leucine 984 with phenylalanine.
Molecular consequence: missense variant.
Genome position (GRCh38, 1-based): chr16:89,758,608, G>A on the plus strand (C>T on the coding strand, the complement: FANCA is on the minus strand). VCF-style: chr16-89758608-G-A. GRCh37 (hg19) VCF-style: chr16-89825016-G-A.
Other names: c.2950C>T, p.Leu984Phe (NM_001286167.3); short protein forms L984F.
Identifiers: ClinVar variation 4870814 (VCV004870814.1).